The following is an entry in ClinVar:

ClinVar aggregate classification (germline): Uncertain significance (0 of 4 stars; one submission).

Conditions:
FZR1-related condition.

gnomAD v4.1: 4 of 1,557,238 alleles (0.00026%); highest among the groups gnomAD compares: Non-Finnish European, 0.00035%; no homozygotes.

Submission:

PreventionGenetics, part of Exact Sciences
Classification: Uncertain significance for FZR1-related condition. Last evaluated: 2024-09-04. Review status: no assertion criteria provided. Collection method: clinical testing. Allele origin: germline.
Comment: The FZR1 c.1449+5G>T variant is predicted to interfere with splicing. This variant is predicted to modify splicing by an in silico prediction tool (SpliceAI, Jaganathan K, et al. 2019. PubMed ID: 30661751).To our knowledge, this variant has not been reported in the literature or in a large population database, indicating it is rare. At this time, the clinical significance of this variant is uncertain due to the absence of conclusive functional and genetic evidence.

NM_016263.4(FZR1):c.1440+14G>T

Gene: FZR1 (fizzy and cell division cycle 20 related 1; plus strand). Cytogenetic location: 19p13.3.
Variant type: single nucleotide variant.
Coding change: c.1440+14G>T on transcript NM_016263.4 (MANE Select); 14 bases into the intron after coding-DNA position 1440, G replaced by T.
Molecular consequence: intron variant.
Genome position (GRCh38, 1-based): chr19:3,534,527, G>T. VCF-style: chr19-3534527-G-T. GRCh37 (hg19) VCF-style: chr19-3534525-G-T.
Other names: c.1449+5G>T (NM_001136198.1); c.1173+14G>T (NM_001136197.1).
Identifiers: ClinVar variation 3344872 (VCV003344872.1).